The following is an entry in ClinVar:

ClinVar aggregate classification (germline): Benign (1 of 4 stars; one submission).

Allele frequency attached by ClinVar (database versions not stated): 1000 Genomes Project 0.36921; 1000 Genomes Project 30x 0.37071; gnomAD 0.44245; ESP Exome Variant Server 0.46917.
gnomAD v4.1: 726,291 of 1,546,956 alleles (47%); highest among the groups gnomAD compares: Non-Finnish European, 50%; 175,581 homozygotes.

Submission:

Unidad de Genómica Garrahan, Hospital de Pediatría Garrahan
Classification: Benign. Last evaluated: 2024-01-24. Review status: criteria provided, single submitter. Criteria: ACMG Guidelines, 2015. Collection method: clinical testing. Allele origin: germline. Affected: no. Observed: 64 variant alleles.
Comment: This variant is classified as Benign based on local population frequency. This variant was detected in 67% of patients studied by a panel of primary immunodeficiencies. Number of patients: 64. Only high quality variants are reported.

NM_018518.5(MCM10):c.1216-44A>G

Gene: MCM10 (minichromosome maintenance 10 replication initiation factor; plus strand). Cytogenetic location: 10p13.
Variant type: single nucleotide variant.
Coding change: c.1216-44A>G on transcript NM_018518.5 (MANE Select); 44 bases into the intron before coding-DNA position 1216, A replaced by G.
Molecular consequence: intron variant.
Genome position (GRCh38, 1-based): chr10:13,188,837, A>G. VCF-style: chr10-13188837-A-G. GRCh37 (hg19) VCF-style: chr10-13230837-A-G.
Other names: c.1219-44A>G (NM_182751.3).
Identifiers: ClinVar variation 2688028 (VCV002688028.2), dbSNP rs6602641, ClinGen allele CA5411444.
Genomic context (GRCh38, chr10:13,188,837, plus strand): 5'-GCATGCGTCATGTTCCGGGAAGTGGGGAGAAGGAACTGTGTCTGCTCACTGCTGTTTCCC[A>G]GCCTGTTGCCCTCATCCTGATGCCACTGCTCTGCCTTTTGCAGCGTGACTGTGAGTACTG-3'